The following is an entry in ClinVar:

ClinVar aggregate classification (germline): Likely benign. Review status: criteria provided, multiple submitters, no conflicts (2 of 4 stars). 4 submissions from 4 submitters: Likely benign (4). Last evaluated 2025-05-22.

Conditions:
Loeys-Dietz syndrome 2 (LDS2). Also called: Marfan Syndrome type 2; Marfan like connective tissue disorder; MFS 2; Marfan syndrome, type 2 (formerly); AORTIC ANEURYSM, FAMILIAL THORACIC 3; MARFAN SYNDROME, TYPE II. Identifiers: Orphanet 284973, Orphanet 558, MedGen C2674574, MONDO:0012427, OMIM 610168.

Allele frequency attached by ClinVar (database versions not stated): ExAC 0.00002; gnomAD exomes 0.00002; gnomAD 0.00003; TOPMed 0.00006.
gnomAD v4.1: 22 of 1,613,810 alleles (0.0014%); highest among the groups gnomAD compares: Middle Eastern, 0.066%; no homozygotes.

Submissions (4):

Labcorp Genetics (formerly Invitae), Labcorp
Classification: Likely benign for Loeys-Dietz syndrome 2. Last evaluated: 2025-05-22. Review status: criteria provided, single submitter. Criteria: Invitae Variant Classification Sherloc (09022015). Collection method: clinical testing. Allele origin: germline.

Women's Health and Genetics/Laboratory Corporation of America, LabCorp
Classification: Likely benign. Last evaluated: 2020-01-31. Review status: criteria provided, single submitter. Criteria: LabCorp Variant Classification Summary - May 2015. Collection method: clinical testing. Allele origin: germline.

Ambry Genetics
Classification: Likely benign. Last evaluated: 2019-10-31. Review status: criteria provided, single submitter. Criteria: Ambry Variant Classification Scheme 2023. Collection method: clinical testing. Allele origin: germline.

GeneDx
Classification: Likely benign. Last evaluated: 2017-08-08. Review status: criteria provided, single submitter. Criteria: GeneDx Variant Classification (06012015). Collection method: clinical testing. Allele origin: germline. Affected: yes.
Comment: This variant is considered likely benign or benign based on one or more of the following criteria: it is a conservative change, it occurs at a poorly conserved position in the protein, it is predicted to be benign by multiple in silico algorithms, and/or has population frequency not consistent with disease.

NM_001032283.3(TMPO):c.330A>G (p.Leu110=)

Gene: TMPO (thymopoietin; plus strand). Cytogenetic location: 12q23.1.
Variant type: single nucleotide variant.
Coding change: c.330A>G on transcript NM_001032283.3 (MANE Select); coding-DNA position 330, A replaced by G.
Protein change: p.Leu110=; no amino-acid change (leucine 110 retained).
Molecular consequence: synonymous variant.
Genome position (GRCh38, 1-based): chr12:98,527,936, A>G. VCF-style: chr12-98527936-A-G. GRCh37 (hg19) VCF-style: chr12-98921714-A-G.
Other names: c.330A>G, p.Leu110= (NM_001032284.3, NM_001307975.2, NM_003276.2).
Identifiers: ClinVar variation 511301 (VCV000511301.13), dbSNP rs776054749, ClinGen allele CA6732168.